The following is an entry in ClinVar:

NM_182961.4(SYNE1):c.10114T>A (p.Ser3372Thr)

Gene: SYNE1 (spectrin repeat containing nuclear envelope protein 1; minus strand). Cytogenetic location: 6q25.2.
Variant type: single nucleotide variant.
Coding change: c.10114T>A on transcript NM_182961.4 (MANE Select); coding-DNA position 10114, T replaced by A.
Protein change: p.Ser3372Thr; replaces serine 3372 with threonine.
Molecular consequence: missense variant.
Genome position (GRCh38, 1-based): chr6:152,364,878, A>T on the plus strand (T>A on the coding strand, the complement: SYNE1 is on the minus strand). VCF-style: chr6-152364878-A-T. GRCh37 (hg19) VCF-style: chr6-152686013-A-T.
Other names: p.Ser3379Thr; c.10135T>A, p.Ser3379Thr (NM_033071.5); short protein forms S3372T, S3379T.
Identifiers: ClinVar variation 3357549 (VCV003357549.3).

ClinVar aggregate classification (germline): Uncertain significance. Review status: criteria provided, multiple submitters, no conflicts (2 of 4 stars). 3 submissions from 3 submitters: Uncertain significance (2). 1 of the submissions does not count toward it. Last evaluated 2025-11-11.

Conditions:
SYNE1-related disorder. Also called: SYNE1-related disorders; SYNE1-related disease; SYNE1-related condition.
Emery-Dreifuss muscular dystrophy 4, autosomal dominant (EDMD4). Also called: EMERY-DREIFUSS MUSCULAR DYSTROPHY 4 WITH VARIABLE FEATURES. Identifiers: Orphanet 261, MedGen C2751807, MONDO:0013071, OMIM 612998.
Autosomal recessive ataxia, Beauce type. Also called: SYNE1 Deficiency; Spinocerebellar ataxia, autosomal recessive 8; ATAXIA, RECESSIVE, OF BEAUCE; SYNE1-Related Autosomal Recessive Cerebellar Ataxia. Identifiers: Orphanet 88644, MedGen C1853116, MONDO:0012549, OMIM 610743.

gnomAD v4.1: 14 of 1,614,048 alleles (0.00087%); highest among the groups gnomAD compares: African/African-American, 0.0093%; no homozygotes.

Submissions (3):

Labcorp Genetics (formerly Invitae), Labcorp
Classification: Uncertain significance for Emery-Dreifuss muscular dystrophy 4, autosomal dominant; Autosomal recessive ataxia, Beauce type. Last evaluated: 2025-11-11. Review status: criteria provided, single submitter. Criteria: Invitae Variant Classification Sherloc (09022015). Collection method: clinical testing. Allele origin: germline.
Comment: This sequence change replaces serine, which is neutral and polar, with threonine, which is neutral and polar, at codon 3379 of the SYNE1 protein (p.Ser3379Thr). This variant is present in population databases (rs763723895, gnomAD 0.02%). This variant has not been reported in the literature in individuals affected with SYNE1-related conditions. ClinVar contains an entry for this variant (Variation ID: 3357549). An algorithm developed to predict the effect of missense changes on protein structure and function (PolyPhen-2) suggests that this variant is likely to be tolerated. In summary, the available evidence is currently insufficient to determine the role of this variant in disease. Therefore, it has been classified as a Variant of Uncertain Significance.

Mayo Clinic Laboratories, Mayo Clinic
Classification: Uncertain significance. Last evaluated: 2025-06-24. Review status: criteria provided, single submitter. Criteria: ACMG Guidelines, 2015. Collection method: clinical testing. Allele origin: germline. Observed: 1 variant allele.
Comment: BP4_moderate

PreventionGenetics, part of Exact Sciences
Classification: Uncertain significance for SYNE1-related condition. Last evaluated: 2024-06-27. Review status: no assertion criteria provided. Collection method: clinical testing. Allele origin: germline. Not counted in ClinVar's aggregate classification.
Comment: The SYNE1 c.10135T>A variant is predicted to result in the amino acid substitution p.Ser3379Thr. To our knowledge, this variant has not been reported in the literature. This variant is reported in 0.018% of alleles in individuals of African descent in gnomAD. At this time, the clinical significance of this variant is uncertain due to the absence of conclusive functional and genetic evidence.